The following is an entry in ClinVar:

ClinVar aggregate classification (germline): Uncertain significance (1 of 4 stars; one submission).

Conditions:
Deafness-lymphedema-leukemia syndrome. Also called: Emberger syndrome; Lymphedema, primary, with myelodysplasia. Identifiers: Orphanet 3226, MedGen C3279664, MONDO:0013540, OMIM 614038.
Monocytopenia with susceptibility to infections. Also called: MONOCYTOPENIA AND MYCOBACTERIAL INFECTION SYNDROME; MONOCYTOPENIA WITH SUSCEPTIBILITY TO MYCOBACTERIAL, FUNGAL, AND PAPILLOMAVIRUS INFECTIONS AND MYELODYSPLASIA; COMBINED IMMUNODEFICIENCY WITH SUSCEPTIBILITY TO MYCOBACTERIAL, VIRAL, AND FUNGAL INFECTIONS; IMMUNODEFICIENCY 21; GATA2 DEFICIENCY; Dendritic cell, monocyte, B lymphocyte, and natural killer lymphocyte deficiency. Identifiers: Orphanet 228423, MedGen C3280030, MONDO:0013607, OMIM 614172.

Submission:

Labcorp Genetics (formerly Invitae), Labcorp
Classification: Uncertain significance for Monocytopenia with susceptibility to infections; Deafness-lymphedema-leukemia syndrome. Last evaluated: 2021-02-11. Review status: criteria provided, single submitter. Criteria: Invitae Variant Classification Sherloc (09022015). Collection method: clinical testing. Allele origin: germline.
Comment: This sequence change replaces glutamic acid with aspartic acid at codon 35 of the GATA2 protein (p.Glu35Asp). The glutamic acid residue is moderately conserved and there is a small physicochemical difference between glutamic acid and aspartic acid. This variant is not present in population databases (ExAC no frequency). In summary, the available evidence is currently insufficient to determine the role of this variant in disease. Therefore, it has been classified as a Variant of Uncertain Significance. Advanced modeling of protein sequence and biophysical properties (such as structural, functional, and spatial information, amino acid conservation, physicochemical variation, residue mobility, and thermodynamic stability) performed at Invitae indicates that this missense variant is not expected to disrupt GATA2 protein function. This variant has not been reported in the literature in individuals with GATA2-related conditions.

NM_032638.5(GATA2):c.105A>T (p.Glu35Asp)

Gene: GATA2 (GATA binding protein 2; minus strand). Cytogenetic location: 3q21.3.
Variant type: single nucleotide variant.
Coding change: c.105A>T on transcript NM_032638.5 (MANE Select); coding-DNA position 105, A replaced by T.
Protein change: p.Glu35Asp; replaces glutamic acid 35 with aspartic acid.
Molecular consequence: missense variant.
Genome position (GRCh38, 1-based): chr3:128,486,927, T>A on the plus strand (A>T on the coding strand, the complement: GATA2 is on the minus strand). VCF-style: chr3-128486927-T-A. GRCh37 (hg19) VCF-style: chr3-128205770-T-A.
Other names: c.105A>T, p.Glu35Asp (NM_001145661.2, NM_001145662.1); short protein forms E35D.
Identifiers: ClinVar variation 1371151 (VCV001371151.8), dbSNP rs2107673579, ClinGen allele CA354408863.
Genomic context (GRCh38, chr3:128,486,927, plus strand): 5'-CTGCGAGTCGAGGTGATTGAAGAAGACGTCCACCTCGTCTGGAGGCAGCAGCTGCGCGGG[T>A]TCCATGTAGTTGTGCGCCAGGCCCGGGTGGTGTGAGTCGGGGTGCTGCGCATTCAGCACG-3'
Protein context (NP_116027.2, residues 25-45): HHPGLAHNYM[Glu35Asp]PAQLLPPDEV